The following is an entry in ClinVar:

ClinVar aggregate classification (germline): Likely benign (0 of 4 stars; one submission).

Conditions:
GIPC1-related condition.

gnomAD v4.1: 9 of 1,607,082 alleles (0.00056%); highest among the groups gnomAD compares: African/African-American, 0.0013%; no homozygotes.

Submission:

PreventionGenetics, part of Exact Sciences
Classification: Likely benign for GIPC1-related condition. Last evaluated: 2024-09-05. Review status: no assertion criteria provided. Collection method: clinical testing. Allele origin: germline.
Comment: This variant is classified as likely benign based on ACMG/AMP sequence variant interpretation guidelines (Richards et al. 2015 PMID: 25741868, with internal and published modifications).

NM_005716.4(GIPC1):c.769-5C>A

Gene: GIPC1 (GIPC PDZ domain containing family member 1; minus strand). Cytogenetic location: 19p13.12.
Variant type: single nucleotide variant.
Coding change: c.769-5C>A on transcript NM_005716.4 (MANE Select); 5 bases into the intron before coding-DNA position 769, C replaced by A.
Molecular consequence: intron variant.
Genome position (GRCh38, 1-based): chr19:14,478,770, G>T on the plus strand (C>A on the coding strand, the complement: GIPC1 is on the minus strand). VCF-style: chr19-14478770-G-T. GRCh37 (hg19) VCF-style: chr19-14589582-G-T.
Other names: c.478-5C>A (NM_202494.3, NM_202469.3); c.769-5C>A (NM_202470.3, NM_202468.3).
Identifiers: ClinVar variation 3350258 (VCV003350258.1).
Genomic context (GRCh38, chr19:14,478,770, plus strand): 5'-TAACTCTCCAGCAGGTCATCCACCTTCTCAATGGCCTTCTCTTCAAAGGCAGAGGGCTGG[G>T]GGCCAGGGAGGGGTGACAGCGACATCATAACAATGTGAATATACATAGTAATTGGACGGA-3'